The following is an entry in ClinVar:

ClinVar aggregate classification (germline): Uncertain significance. Review status: criteria provided, multiple submitters, no conflicts (2 of 4 stars). 3 submissions from 3 submitters: Uncertain significance (3). Last evaluated 2024-03-17.

Conditions:
Split-foot malformation-mesoaxial polydactyly syndrome. Also called: Split-foot malformation with mesoaxial polydactyly. Identifiers: Orphanet 488232, MedGen C5567487, MONDO:0014816, OMIM 616890.

Allele frequency attached by ClinVar (database versions not stated): gnomAD exomes below 0.00001; ExAC 0.00001; TOPMed 0.00001; gnomAD 0.00002.

Submissions (3):

Genomic Medicine Center of Excellence, King Faisal Specialist Hospital and Research Centre
Classification: Uncertain significance for Split-foot malformation-mesoaxial polydactyly syndrome. Last evaluated: 2024-03-17. Review status: criteria provided, single submitter. Criteria: ACMG Guidelines, 2015. Collection method: research. Allele origin: germline.

Labcorp Genetics (formerly Invitae), Labcorp
Classification: Uncertain significance. Last evaluated: 2022-09-12. Review status: criteria provided, single submitter. Criteria: Invitae Variant Classification Sherloc (09022015). Collection method: clinical testing. Allele origin: germline.
Comment: This sequence change replaces arginine, which is basic and polar, with tryptophan, which is neutral and slightly polar, at codon 250 of the MAP3K20 protein (p.Arg250Trp). The frequency data for this variant in the population databases is considered unreliable, as metrics indicate poor data quality at this position in the gnomAD database. This missense change has been observed in individual(s) with congenital myopathy and/or limb girdle muscular dystrophy (PMID: 30237576, 31130284). ClinVar contains an entry for this variant (Variation ID: 624156). Experimental studies and prediction algorithms are not available or were not evaluated, and the functional significance of this variant is currently unknown. In summary, the available evidence is currently insufficient to determine the role of this variant in disease. Therefore, it has been classified as a Variant of Uncertain Significance.

CeGaT Center for Human Genetics Tuebingen
Classification: Uncertain significance. Last evaluated: 2018-06-01. Review status: criteria provided, single submitter. Criteria: CeGaT Center For Human Genetics Tuebingen Variant Classification Criteria Version 2. Collection method: clinical testing. Allele origin: germline. Affected: yes. Observed: 3 variant alleles.

Literature cited by the submitters: PubMed 30237576 (cited by Labcorp Genetics (formerly Invitae), Labcorp); PubMed 31130284 (cited by Labcorp Genetics (formerly Invitae), Labcorp).

NM_016653.3(MAP3K20):c.748C>T (p.Arg250Trp)

Genes: MAP3K20 (mitogen-activated protein kinase kinase kinase 20; plus strand), MAP3K20-AS1 (MAP3K20 antisense RNA 1; minus strand). Cytogenetic location: 2q31.1.
Variant type: single nucleotide variant.
Coding change: c.748C>T on transcript NM_016653.3 (MANE Select); coding-DNA position 748, C replaced by T.
Protein change: p.Arg250Trp; replaces arginine 250 with tryptophan.
Molecular consequence: missense variant. On other transcripts: non-coding transcript variant (1).
Genome position (GRCh38, 1-based): chr2:173,209,732, C>T. VCF-style: chr2-173209732-C-T. GRCh37 (hg19) VCF-style: chr2-174074460-C-T.
Other names: c.748C>T, p.Arg250Trp (NM_133646.3); short protein forms R250W.
Identifiers: ClinVar variation 624156 (VCV000624156.46), dbSNP rs763481300, ClinGen allele CA1970520.